The following is an entry in ClinVar:

ClinVar aggregate classification (germline): Uncertain significance. Review status: criteria provided, multiple submitters, no conflicts (2 of 4 stars). 2 submissions from 2 submitters: Uncertain significance (2). Last evaluated 2024-12-02.

Conditions:
Inborn genetic diseases. Identifiers: MedGen C0950123, MeSH D030342.

gnomAD v4.1: 21 of 1,609,948 alleles (0.0013%); highest among the groups gnomAD compares: Middle Eastern, 0.016%; no homozygotes.

Submissions (2):

GeneDx
Classification: Uncertain significance. Last evaluated: 2024-12-02. Review status: criteria provided, single submitter. Criteria: GeneDx Variant Classification Process June 2021. Collection method: clinical testing. Allele origin: germline. Affected: yes.
Comment: Not observed at significant frequency in large population cohorts (gnomAD); In silico analysis supports that this missense variant has a deleterious effect on protein structure/function; Has not been previously published as pathogenic or benign to our knowledge

Ambry Genetics
Classification: Uncertain significance for Inborn genetic diseases. Last evaluated: 2024-04-29. Review status: criteria provided, single submitter. Criteria: Ambry Variant Classification Scheme 2023. Collection method: clinical testing. Allele origin: germline.

NM_005529.7(HSPG2):c.4612G>A (p.Gly1538Ser)

Gene: HSPG2 (heparan sulfate proteoglycan 2; minus strand). Cytogenetic location: 1p36.12.
Variant type: single nucleotide variant.
Coding change: c.4612G>A on transcript NM_005529.7 (MANE Select); coding-DNA position 4612, G replaced by A.
Protein change: p.Gly1538Ser; replaces glycine 1538 with serine.
Molecular consequence: missense variant.
Genome position (GRCh38, 1-based): chr1:21,864,857, C>T on the plus strand (G>A on the coding strand, the complement: HSPG2 is on the minus strand). VCF-style: chr1-21864857-C-T. GRCh37 (hg19) VCF-style: chr1-22191350-C-T.
Other names: c.4615G>A, p.Gly1539Ser (NM_001291860.2); short protein forms G1538S, G1539S.
Identifiers: ClinVar variation 3284988 (VCV003284988.2).
Genomic context (GRCh38, chr1:21,864,857, plus strand): 5'-TGCCTCTGTGCCTGTGCAGAGGTGGTGGAGCTGGCCACACACTCACCTGGCAGGACAGAC[C>T]GATGTAGCCTGGCGGGCAGCGGCACTCCTCCACCTCGAGGGCGCGGGGTCTGTTTGAGGG-3'
Protein context (NP_005520.4, residues 1528-1548): EECRCPPGYI[Gly1538Ser]LSCQDCAPGY